The following is an entry in ClinVar:

NM_018993.4(RIN2):c.-36-2786G>A

Gene: RIN2 (Ras and Rab interactor 2; plus strand). Cytogenetic location: 20p11.23.
Variant type: single nucleotide variant.
Coding change: c.-36-2786G>A on transcript NM_018993.4 (MANE Select); 2786 bases into the intron before 36 bases upstream of the start codon, G replaced by A.
Molecular consequence: intron variant. On other transcripts: synonymous variant (1).
Genome position (GRCh38, 1-based): chr20:19,886,780, G>A. VCF-style: chr20-19886780-G-A. GRCh37 (hg19) VCF-style: chr20-19867424-G-A.
Other names: c.111G>A, p.Thr37= (NM_001242581.2); c.-581-2786G>A (NM_001378238.1).
Identifiers: ClinVar variation 1484188 (VCV001484188.3), dbSNP rs200421833, ClinGen allele CA312907160.

ClinVar aggregate classification (germline): Uncertain significance (1 of 4 stars; one submission).

Allele frequency attached by ClinVar (database versions not stated): TOPMed 0.00009; gnomAD 0.00008; gnomAD exomes 0.00001.
gnomAD v4.1: 84 of 1,527,482 alleles (0.0055%); highest among the groups gnomAD compares: East Asian, 0.015%; no homozygotes.

Submission:

Labcorp Genetics (formerly Invitae), Labcorp
Classification: Uncertain significance. Last evaluated: 2022-05-21. Review status: criteria provided, single submitter. Criteria: Invitae Variant Classification Sherloc (09022015). Collection method: clinical testing. Allele origin: germline.
Comment: The RIN2 gene has multiple clinically relevant transcripts. This variant occurs in alternate transcript NM_001242581.1, and corresponds to NM_018993.3:c.-2822G>A in the primary transcript. This sequence change affects codon 37 of the RIN2 mRNA. It is a 'silent' change, meaning that it does not change the encoded amino acid sequence of the RIN2 protein. It affects a nucleotide within the consensus splice site. This variant is present in population databases (rs200421833, gnomAD 0.006%). This variant has not been reported in the literature in individuals affected with RIN2-related conditions. Experimental studies and prediction algorithms are not available or were not evaluated, and the functional significance of this variant is currently unknown. Algorithms developed to predict the effect of sequence changes on RNA splicing suggest that this variant may create or strengthen a splice site. In summary, the available evidence is currently insufficient to determine the role of this variant in disease. Therefore, it has been classified as a Variant of Uncertain Significance.